The following is an entry in ClinVar:

NM_022098.4(XPNPEP3):c.111A>G (p.Pro37=)

Gene: XPNPEP3 (X-prolyl aminopeptidase 3; plus strand). Cytogenetic location: 22q13.2.
Variant type: single nucleotide variant.
Coding change: c.111A>G on transcript NM_022098.4 (MANE Select); coding-DNA position 111, A replaced by G.
Protein change: p.Pro37=; no amino-acid change (proline 37 retained).
Molecular consequence: synonymous variant.
Genome position (GRCh38, 1-based): chr22:40,869,045, A>G. VCF-style: chr22-40869045-A-G. GRCh37 (hg19) VCF-style: chr22-41265049-A-G.
Identifiers: ClinVar variation 341667 (VCV000341667.22), dbSNP rs1894658, ClinGen allele CA10251567.
Genomic context (GRCh38, chr22:40,869,045, plus strand): 5'-TATTCTTCATTCAGGATGTATGTTGTGTTCACAGCGAAGGTACTCCCTTCAGCCTGTCCC[A>G]GAAAGGAGGATTCCAAACCGATACTTAGGCCAGCCCAGCCCCTTTACACACCCACACCTC-3'
Protein context (NP_071381.1, residues 27-47): SQRRYSLQPV[Pro37=]ERRIPNRYLG

ClinVar aggregate classification (germline): Benign/Likely benign. Review status: criteria provided, multiple submitters, no conflicts (2 of 4 stars). 6 submissions from 6 submitters: Benign (4); Likely benign (1). 1 of the submissions does not count toward it. Last evaluated 2026-02-01.

Conditions:
Nephronophthisis-like nephropathy 1 (NPHPL1). Identifiers: Orphanet 655, MedGen C3150419, MONDO:0013163, OMIM 613159.

Allele frequency attached by ClinVar (database versions not stated): gnomAD exomes 0.00152 and 0.00409; ExAC 0.00504; 1000 Genomes Project 30x 0.01593; 1000 Genomes Project 0.01597; gnomAD 0.01628 and 0.01750; TOPMed 0.01808; ESP Exome Variant Server 0.01953.
gnomAD v4.1: 4,795 of 1,614,120 alleles (0.3%); highest among the groups gnomAD compares: African/African-American, 5.6%; 124 homozygotes.

Submissions (6):

Labcorp Genetics (formerly Invitae), Labcorp
Classification: Benign for Nephronophthisis-like nephropathy 1. Last evaluated: 2026-02-01. Review status: criteria provided, single submitter. Criteria: Invitae Variant Classification Sherloc (09022015). Collection method: clinical testing. Allele origin: germline.

Fulgent Genetics
Classification: Likely benign for Nephronophthisis-like nephropathy 1. Last evaluated: 2021-12-29. Review status: criteria provided, single submitter. Criteria: ACMG Guidelines, 2015. Collection method: clinical testing. Allele origin: unknown.

GeneDx
Classification: Benign. Last evaluated: 2021-05-06. Review status: criteria provided, single submitter. Criteria: GeneDx Variant Classification Process June 2021. Collection method: clinical testing. Allele origin: germline. Affected: yes.

Illumina Laboratory Services, Illumina
Classification: Benign for Nephronophthisis-like nephropathy 1. Last evaluated: 2018-01-13. Review status: criteria provided, single submitter. Criteria: ICSL Variant Classification Criteria 13 December 2019. Collection method: clinical testing. Allele origin: germline.
Comment: This variant was observed in the ICSL laboratory as part of a predisposition screen in an ostensibly healthy population. It had not been previously curated by ICSL or reported in the Human Gene Mutation Database (HGMD: prior to June 1st, 2018), and was therefore a candidate for classification through an automated scoring system. Utilizing variant allele frequency, disease prevalence and penetrance estimates, and inheritance mode, an automated score was calculated to assess if this variant is too frequent to cause the disease. Based on the score and internal cut-off values, a variant classified as benign is not then subjected to further curation. The score for this variant resulted in a classification of benign for this disease.

Breakthrough Genomics
Classification: Benign. Review status: criteria provided, single submitter. Criteria: ACMG Guidelines, 2015. Collection method: not provided. Allele origin: germline. Inheritance: Autosomal recessive inheritance. Affected: yes.

Mayo Clinic Laboratories, Mayo Clinic
Classification: Benign. Last evaluated: 2017-09-15. Review status: no assertion criteria provided. Collection method: clinical testing. Allele origin: unknown. Not counted in ClinVar's aggregate classification.